The following is an entry in ClinVar:

NM_001621.5(AHR):c.824C>T (p.Pro275Leu)

Gene: AHR (aryl hydrocarbon receptor; plus strand). Cytogenetic location: 7p21.1.
Variant type: single nucleotide variant.
Coding change: c.824C>T on transcript NM_001621.5 (MANE Select); coding-DNA position 824, C replaced by T.
Protein change: p.Pro275Leu; replaces proline 275 with leucine.
Molecular consequence: missense variant.
Genome position (GRCh38, 1-based): chr7:17,334,030, C>T. VCF-style: chr7-17334030-C-T. GRCh37 (hg19) VCF-style: chr7-17373654-C-T.
Other names: c.824C>T (NM_001621.4); short protein forms P275L.
Identifiers: ClinVar variation 1113439 (VCV001113439.9), dbSNP rs113673253, ClinGen allele CA4171947.
Genomic context (GRCh38, chr7:17,334,030, plus strand): 5'-ATGGATCAATACTTCCACCTCAGTTGGCTTTGTTTGCGATAGCTACTCCACTTCAGCCAC[C>T]ATCCATACTTGAAATCCGGACCAAAAATTTTATCTTTAGAACCAAACACAAACTAGACTT-3'
Protein context (NP_001612.1, residues 265-285): LFAIATPLQP[Pro275Leu]SILEIRTKNF

ClinVar aggregate classification (germline): Likely benign. Review status: criteria provided, single submitter (1 of 4 stars). 2 submissions from 2 submitters: Likely benign (1). 1 of the submissions does not count toward it. Last evaluated 2026-01-20.

Conditions:
AHR-related disorder. Also called: AHR-related condition.

Allele frequency attached by ClinVar (database versions not stated): 1000 Genomes Project 0.00060; 1000 Genomes Project 30x 0.00062; gnomAD 0.00089 and 0.00098; TOPMed 0.00091; ESP Exome Variant Server 0.00123.

Submissions (2):

Labcorp Genetics (formerly Invitae), Labcorp
Classification: Likely benign. Last evaluated: 2026-01-20. Review status: criteria provided, single submitter. Criteria: Invitae Variant Classification Sherloc (09022015). Collection method: clinical testing. Allele origin: germline.

PreventionGenetics, part of Exact Sciences
Classification: Likely benign for AHR-related condition. Last evaluated: 2024-08-26. Review status: no assertion criteria provided. Collection method: clinical testing. Allele origin: germline. Not counted in ClinVar's aggregate classification.
Comment: This variant is classified as likely benign based on ACMG/AMP sequence variant interpretation guidelines (Richards et al. 2015 PMID: 25741868, with internal and published modifications).